The following is an entry in ClinVar:

ClinVar aggregate classification (germline): Pathogenic/Likely pathogenic. Review status: criteria provided, multiple submitters, no conflicts (2 of 4 stars). 3 submissions from 3 submitters: Pathogenic (2); Likely pathogenic (1). Last evaluated 2024-08-01.

Conditions:
Vici syndrome (VICIS). Identifiers: Orphanet 1493, MedGen C1855772, MONDO:0009452, OMIM 242840.

Allele frequency attached by ClinVar (database versions not stated): TOPMed below 0.00001.
gnomAD v4.1: 1 of 1,613,616 alleles (0.000062%); highest among the groups gnomAD compares: African/African-American, 0.0013%; no homozygotes.

Submissions (3):

CeGaT Center for Human Genetics Tuebingen
Classification: Pathogenic. Last evaluated: 2024-08-01. Review status: criteria provided, single submitter. Criteria: CeGaT Center For Human Genetics Tuebingen Variant Classification Criteria Version 2. Collection method: clinical testing. Allele origin: germline. Affected: yes. Observed: 1 variant allele.
Comment: EPG5: PVS1, PM2

Labcorp Genetics (formerly Invitae), Labcorp
Classification: Pathogenic for Vici syndrome. Last evaluated: 2024-06-20. Review status: criteria provided, single submitter. Criteria: Invitae Variant Classification Sherloc (09022015). Collection method: clinical testing. Allele origin: germline.
Comment: This sequence change creates a premature translational stop signal (p.Gln1136*) in the EPG5 gene. It is expected to result in an absent or disrupted protein product. Loss-of-function variants in EPG5 are known to be pathogenic (PMID: 23222957, 23674064). This variant is not present in population databases (gnomAD no frequency). This variant has not been reported in the literature in individuals affected with EPG5-related conditions. ClinVar contains an entry for this variant (Variation ID: 1723618). For these reasons, this variant has been classified as Pathogenic.

GeneDx
Classification: Likely pathogenic. Last evaluated: 2022-11-07. Review status: criteria provided, single submitter. Criteria: GeneDx Variant Classification Process June 2021. Collection method: clinical testing. Allele origin: germline. Affected: yes.
Comment: Nonsense variant predicted to result in protein truncation or nonsense mediated decay in a gene for which loss-of-function is a known mechanism of disease; Not observed in large population cohorts (gnomAD); Has not been previously published as pathogenic or benign to our knowledge

Literature cited by the submitters: PubMed 23222957 (cited by Labcorp Genetics (formerly Invitae), Labcorp); PubMed 23674064 (cited by Labcorp Genetics (formerly Invitae), Labcorp).

NM_020964.3(EPG5):c.3406C>T (p.Gln1136Ter)

Gene: EPG5 (ectopic P-granules 5 autophagy tethering factor; minus strand). Cytogenetic location: 18q21.1.
Variant type: single nucleotide variant.
Coding change: c.3406C>T on transcript NM_020964.3 (MANE Select); coding-DNA position 3406, C replaced by T.
Protein change: p.Gln1136Ter; replaces glutamine 1136 with a stop codon.
Molecular consequence: nonsense.
Genome position (GRCh38, 1-based): chr18:45,916,185, G>A on the plus strand (C>T on the coding strand, the complement: EPG5 is on the minus strand). VCF-style: chr18-45916185-G-A. GRCh37 (hg19) VCF-style: chr18-43496150-G-A.
Other names: c.3406C>T, p.Gln1136Ter (NM_001410858.1, NM_001410859.1); short protein forms Q1136*.
Identifiers: ClinVar variation 1723618 (VCV001723618.20), dbSNP rs2050027504, ClinGen allele CA402342692.